The following is an entry in ClinVar:

ClinVar aggregate classification (germline): Likely benign. Review status: criteria provided, multiple submitters, no conflicts (2 of 4 stars). 3 submissions from 3 submitters: Likely benign (3). Last evaluated 2026-04-01.

Conditions:
Brugada syndrome. Also called: Sudden Unexplained Death Syndrome; Sudden Unexplained Nocturnal Death Syndrome (SUNDS); Sudden unexpected nocturnal death syndrome; Sudden unexplained nocturnal death syndrome. Identifiers: Orphanet 130, MedGen C1142166, MONDO:0015263.
Cardiovascular phenotype. Identifiers: MedGen CN230736.

Allele frequency attached by ClinVar (database versions not stated): ExAC 0.00002; gnomAD exomes 0.00002.

Submissions (3):

CeGaT Center for Human Genetics Tuebingen
Classification: Likely benign. Last evaluated: 2026-04-01. Review status: criteria provided, single submitter. Criteria: CeGaT Center For Human Genetics Tuebingen Variant Classification Criteria Version 2. Collection method: clinical testing. Allele origin: germline. Affected: yes. Observed: 1 variant allele.
Comment: SCN10A: BP4, BP7

Labcorp Genetics (formerly Invitae), Labcorp
Classification: Likely benign for Brugada syndrome. Last evaluated: 2024-06-11. Review status: criteria provided, single submitter. Criteria: Invitae Variant Classification Sherloc (09022015). Collection method: clinical testing. Allele origin: germline.

Ambry Genetics
Classification: Likely benign for Cardiovascular phenotype. Last evaluated: 2023-07-17. Review status: criteria provided, single submitter. Criteria: Ambry Variant Classification Scheme 2023. Collection method: clinical testing. Allele origin: germline.

NM_006514.4(SCN10A):c.4113C>T (p.Asp1371=)

Gene: SCN10A (sodium voltage-gated channel alpha subunit 10; minus strand). Cytogenetic location: 3p22.2.
Variant type: single nucleotide variant.
Coding change: c.4113C>T on transcript NM_006514.4 (MANE Select); coding-DNA position 4113, C replaced by T.
Protein change: p.Asp1371=; no amino-acid change (aspartic acid 1371 retained).
Molecular consequence: synonymous variant.
Genome position (GRCh38, 1-based): chr3:38,710,874, G>A on the plus strand (C>T on the coding strand, the complement: SCN10A is on the minus strand). VCF-style: chr3-38710874-G-A. GRCh37 (hg19) VCF-style: chr3-38752365-G-A.
Other names: c.4113C>T (NM_006514.2); c.4110C>T, p.Asp1370= (NM_001293306.2); c.3819C>T, p.Asp1273= (NM_001293307.2).
Identifiers: ClinVar variation 1674668 (VCV001674668.11), dbSNP rs138786127, ClinGen allele CA2320014.